The following is an entry in ClinVar:

ClinVar aggregate classification (germline): Likely benign (0 of 4 stars; one submission).

Conditions:
U2AF1L5-related condition.

Submission:

PreventionGenetics, part of Exact Sciences
Classification: Likely benign for U2AF1L5-related condition. Last evaluated: 2019-11-12. Review status: no assertion criteria provided. Collection method: clinical testing. Allele origin: germline.
Comment: This variant is classified as likely benign based on ACMG/AMP sequence variant interpretation guidelines (Richards et al. 2015 PMID: 25741868, with internal and published modifications).

NM_001320648.2(LOC102724594):c.133-9dup

Gene: LOC102724594 (U2 small nuclear RNA auxiliary factor 1 like 5; minus strand). Cytogenetic location: 21p12.
Variant type: Duplication.
Coding change: c.133-9dup on transcript NM_001320648.2; 9 bases into the intron before coding-DNA position 133, one base duplicated (T; older notation c.133-9dupT).
Molecular consequence: intron variant.
Genome position (GRCh38, 1-based): chr21:6,493,119, A duplicated on the plus strand (T on the coding strand, the reverse complement: LOC102724594 is on the minus strand); the first of 9 consecutive A bases (chr21:6,493,119-6,493,127); duplicating any one gives the same sequence. VCF-style (leftmost placement, unchanged base first): chr21-6493118-G-GA.
Other names: c.133-922dup (NM_001320646.2); c.48-827dup (NM_001320650.2); c.-154-9dup (NM_001320651.2).
Identifiers: ClinVar variation 3354259 (VCV003354259.1).